The following is an entry in ClinVar:

ClinVar aggregate classification (germline): Uncertain significance (1 of 4 stars; one submission).

Allele frequency attached by ClinVar (database versions not stated): ExAC 0.00001; gnomAD 0.00001; gnomAD exomes 0.00002; TOPMed 0.00003; ESP Exome Variant Server 0.00008.
gnomAD v4.1: 32 of 1,614,074 alleles (0.002%); highest among the groups gnomAD compares: Non-Finnish European, 0.0021%; no homozygotes.

Submission:

Labcorp Genetics (formerly Invitae), Labcorp
Classification: Uncertain significance. Last evaluated: 2021-12-18. Review status: criteria provided, single submitter. Criteria: Invitae Variant Classification Sherloc (09022015). Collection method: clinical testing. Allele origin: germline.
Comment: This sequence change replaces aspartic acid, which is acidic and polar, with glycine, which is neutral and non-polar, at codon 1466 of the DMXL2 protein (p.Asp1466Gly). In summary, the available evidence is currently insufficient to determine the role of this variant in disease. Therefore, it has been classified as a Variant of Uncertain Significance. Algorithms developed to predict the effect of sequence changes on RNA splicing suggest that this variant may create or strengthen a splice site. Algorithms developed to predict the effect of missense changes on protein structure and function are either unavailable or do not agree on the potential impact of this missense change (SIFT: "Deleterious"; PolyPhen-2: "Probably Damaging"; Align-GVGD: "Class C0"). This variant has not been reported in the literature in individuals affected with DMXL2-related conditions. This variant is present in population databases (rs376009730, gnomAD 0.0009%).

NM_001378457.1(DMXL2):c.4397A>G (p.Asp1466Gly)

Gene: DMXL2 (Dmx like 2; minus strand). Cytogenetic location: 15q21.2.
Variant type: single nucleotide variant.
Coding change: c.4397A>G on transcript NM_001378457.1 (MANE Select); coding-DNA position 4397, A replaced by G.
Protein change: p.Asp1466Gly; replaces aspartic acid 1466 with glycine.
Molecular consequence: missense variant. On other transcripts: non-coding transcript variant (2), intron variant (2).
Genome position (GRCh38, 1-based): chr15:51,498,827, T>C on the plus strand (A>G on the coding strand, the complement: DMXL2 is on the minus strand). VCF-style: chr15-51498827-T-C. GRCh37 (hg19) VCF-style: chr15-51791024-T-C.
Other names: c.4397A>G, p.Asp1466Gly (NM_001174116.3, NM_001378458.1, NM_001378459.1 and 4 more transcripts); c.4157A>G, p.Asp1386Gly (NM_001378464.1); c.2765-7080A>G (NM_001378460.1); c.2765-3693A>G (NM_001174117.3); short protein forms D1386G, D1466G.
Identifiers: ClinVar variation 1958674 (VCV001958674.5), dbSNP rs376009730, ClinGen allele CA7562017.